The following is an entry in ClinVar:

NM_003919.3(SGCE):c.825+1G>A

Genes: CASD1 (CAS1 domain containing 1; plus strand), SGCE (sarcoglycan epsilon; minus strand). Cytogenetic location: 7q21.3.
Variant type: single nucleotide variant.
Coding change: c.825+1G>A on transcript NM_003919.3 (MANE Select); the canonical splice donor site of the intron after coding-DNA position 825, G replaced by A.
Molecular consequence: splice donor variant.
Genome position (GRCh38, 1-based): chr7:94,603,289, C>T on the plus strand (G>A on the coding strand, the complement: SGCE is on the minus strand). VCF-style: chr7-94603289-C-T. GRCh37 (hg19) VCF-style: chr7-94232601-C-T.
Other names: c.702+1G>A (NM_001362809.2, NM_001301139.2); c.825+1G>A (NM_001346717.2, NM_001099400.2, NM_001099401.2); c.933+1G>A (NM_001346715.2, NM_001346713.2); c.738+1G>A (NM_001362807.2, NM_001346719.2); c.552+1G>A (NM_001362808.2, NM_001346720.2).
Identifiers: ClinVar variation 1678758 (VCV001678758.2), dbSNP rs2116722242, ClinGen allele CA368231701.
Genomic context (GRCh38, chr7:94,603,289, plus strand): 5'-AAACGTTAACTCCAGCCACATTATTTTTAACTAAACTTGCAAAAACAAAATAAAAACTTA[C>T]CAATGAAATTTTGCACCAGTCAATGTAAAATTGAGTACGAAATTTTTTATCACATGTTAT-3'

ClinVar aggregate classification (germline): Pathogenic (1 of 4 stars; one submission).

Submission:

GeneDx
Classification: Pathogenic. Last evaluated: 2022-03-22. Review status: criteria provided, single submitter. Criteria: GeneDx Variant Classification Process June 2021. Collection method: clinical testing. Allele origin: germline. Affected: yes.
Comment: Reported as c.907+1G>A due to alternate nomenclature in a patient with myoclonus-dystonia syndrome in published literature; however, familial segregation information was not provided (Zimprich A et al., 2001); Canonical splice site variant predicted to result in a null allele in a gene for which loss-of-function is a known mechanism of disease; Not observed at significant frequency in large population cohorts (gnomAD); This variant is associated with the following publications: (PMID: 19117361, 11528394, 27535533)